The following is an entry in ClinVar:

NM_000525.4(KCNJ11):c.525C>T (p.His175=)

Gene: KCNJ11 (potassium inwardly rectifying channel subfamily J member 11; minus strand). Cytogenetic location: 11p15.1.
Variant type: single nucleotide variant.
Coding change: c.525C>T on transcript NM_000525.4 (MANE Select); coding-DNA position 525, C replaced by T.
Protein change: p.His175=; no amino-acid change (histidine 175 retained).
Molecular consequence: synonymous variant.
Genome position (GRCh38, 1-based): chr11:17,387,567, G>A on the plus strand (C>T on the coding strand, the complement: KCNJ11 is on the minus strand). VCF-style: chr11-17387567-G-A. GRCh37 (hg19) VCF-style: chr11-17409114-G-A.
Other names: c.264C>T, p.His88= (NM_001377297.1, NM_001166290.2, NM_001377296.1).
Identifiers: ClinVar variation 1679520 (VCV001679520.1), dbSNP rs865963367, ClinGen allele CA218399854.

ClinVar aggregate classification (germline): Uncertain significance (1 of 4 stars; one submission).

Conditions:
Maturity-onset diabetes of the young (MODY). Also called: Maturity onset diabetes mellitus in young. Identifiers: Orphanet 552, MedGen C0342276, MONDO:0018911, HP:0004904.

Submission:

Clinical Genomics, Uppaluri K&H Personalized Medicine Clinic
Classification: Uncertain significance for Maturity-onset diabetes of the young. Review status: criteria provided, single submitter. Criteria: K & H Uppaluri Personalized Medicine Clinic Variant Classification & Assertion Criteria_Updated V.1. Collection method: research. Allele origin: somatic. Inheritance: Autosomal dominant inheritance.
Comment: Mutations in KCNJ11 gene can cause decreased production and secretion of insulin. This can lead to MODY which may be responsive to oral sulfonylureas. It is also associated with Neonatal Diabetes. However, no sufficient evidence is found to ascertain role of this particular variant (rs865963367) in MODY yet.

Literature cited by the submitters: PubMed 26448950; PubMed 15580558; PubMed 15718250; PubMed 32935446; PubMed 22701567.